The following is an entry in ClinVar:

ClinVar aggregate classification (germline): Likely pathogenic (1 of 4 stars; one submission).

gnomAD v4.1: 1 of 1,541,698 alleles (0.000065%); highest among the groups gnomAD compares: Admixed American, 0.002%; no homozygotes.

Submission:

GeneDx
Classification: Likely pathogenic. Last evaluated: 2017-04-10. Review status: criteria provided, single submitter. Criteria: GeneDx Variant Classification (06012015). Collection method: clinical testing. Allele origin: germline. Affected: yes.
Comment: A variant that is likely pathogenic has been identified in the PNKP gene. The c.1029+1 G>A variant has not been published as a pathogenic variant, nor has it been reported as a benign variant to our knowledge. The c.1029+1 G>A variant is not observed in large population cohorts (Lek et al., 2016; 1000 Genomes Consortium et al., 2015; Exome Variant Server). The c.1029+1 G>A splice site variant destroys the canonical splice donor site in intron 11. It is predicted to cause abnormal gene splicing, either leading to an abnormal message that is subject to nonsense-mediated mRNA decay, or to an abnormal protein product if the message is used for protein translation. Therefore, this variant is likely pathogenic; however, the possibility that it is benign cannot be excluded.

NM_007254.4(PNKP):c.1029+1G>A

Gene: PNKP (polynucleotide kinase 3'-phosphatase; minus strand). Cytogenetic location: 19q13.33.
Variant type: single nucleotide variant.
Coding change: c.1029+1G>A on transcript NM_007254.4 (MANE Select); the canonical splice donor site of the intron after coding-DNA position 1029, G replaced by A.
Molecular consequence: splice donor variant.
Genome position (GRCh38, 1-based): chr19:49,862,370, C>T on the plus strand (G>A on the coding strand, the complement: PNKP is on the minus strand). VCF-style: chr19-49862370-C-T. GRCh37 (hg19) VCF-style: chr19-50365627-C-T.
Identifiers: ClinVar variation 426648 (VCV000426648.2), dbSNP rs959497903, ClinGen allele CA406880460.